The following is an entry in ClinVar:

ClinVar aggregate classification (germline): Pathogenic (1 of 4 stars; one submission).

Conditions:
Epidermodysplasia verruciformis. Identifiers: Orphanet 302, MedGen C0014522, MONDO:0009176.

Submission:

Labcorp Genetics (formerly Invitae), Labcorp
Classification: Pathogenic for Epidermodysplasia verruciformis. Last evaluated: 2023-02-09. Review status: criteria provided, single submitter. Criteria: Invitae Variant Classification Sherloc (09022015). Collection method: clinical testing. Allele origin: germline.
Comment: This sequence change creates a premature translational stop signal (p.Glu425Glyfs*6) in the TMC8 gene. It is expected to result in an absent or disrupted protein product. Loss-of-function variants in TMC8 are known to be pathogenic (PMID: 12426567, 22158547). This variant is not present in population databases (gnomAD no frequency). This variant has not been reported in the literature in individuals affected with TMC8-related conditions. For these reasons, this variant has been classified as Pathogenic.

Literature cited by the submitters: PubMed 12426567; PubMed 22158547.

NM_152468.5(TMC8):c.1274del (p.Glu425fs)

Gene: TMC8 (transmembrane channel like 8; plus strand). Cytogenetic location: 17q25.3.
Variant type: Deletion.
Coding change: c.1274del on transcript NM_152468.5 (MANE Select); coding-DNA position 1274, one base deleted (A; older notation c.1274delA).
Protein change: p.Glu425fs; shifts the reading frame from glutamic acid 425.
Molecular consequence: frameshift variant.
Genome position (GRCh38, 1-based): chr17:78,137,739, A deleted. VCF-style (leftmost placement, unchanged base first): chr17-78137738-GA-G. GRCh37 (hg19) VCF-style: chr17-76133819-GA-G.
Other names: short protein forms E425fs.
Identifiers: ClinVar variation 2835702 (VCV002835702.3), dbSNP rs2510810419, ClinGen allele CA2739268459.
Genomic context (GRCh38, chr17:78,137,738, plus strand): 5'-GCCGTGAGTGGTGACGGGTCCCCTTCCCCTGCACCCCAGTGCTGGGAGAACTCCGTGGGG[GA>G]GGAGCTGTACAAGCTGAGTATCTTCAACTTCCTCCTCACCGTGGCCTTCGCCTTCCTGGT-3'